The following is an entry in ClinVar:

NM_002336.3(LRP6):c.3407G>A (p.Arg1136Gln)

Gene: LRP6 (LDL receptor related protein 6; minus strand). Cytogenetic location: 12p13.2.
Variant type: single nucleotide variant.
Coding change: c.3407G>A on transcript NM_002336.3 (MANE Select); coding-DNA position 3407, G replaced by A.
Protein change: p.Arg1136Gln; replaces arginine 1136 with glutamine.
Molecular consequence: missense variant.
Genome position (GRCh38, 1-based): chr12:12,138,525, C>T on the plus strand (G>A on the coding strand, the complement: LRP6 is on the minus strand). VCF-style: chr12-12138525-C-T. GRCh37 (hg19) VCF-style: chr12-12291459-C-T.
Other names: short protein forms R1136Q.
Identifiers: ClinVar variation 1423769 (VCV001423769.10), dbSNP rs776503670, ClinGen allele CA6455199.
Genomic context (GRCh38, chr12:12,138,525, plus strand): 5'-CAGTTTTCAAACACAGTAAGTCCCACAGGCTGCAAGATATTGGAGTCTTCTAATACTATC[C>T]GGTTAGCACCTTGGAAAAGGAGAAAATTCAACAGAAATGACTCATGTGGGTCAAGTTATA-3'
Protein context (NP_002327.2, residues 1126-1146): IESSDLSGAN[Arg1136Gln]IVLEDSNILQ

ClinVar aggregate classification (germline): Uncertain significance. Review status: criteria provided, multiple submitters, no conflicts (2 of 4 stars). 2 submissions from 2 submitters: Uncertain significance (2). Last evaluated 2025-07-22.

Allele frequency attached by ClinVar (database versions not stated): ExAC 0.00002.
gnomAD v4.1: 105 of 1,613,442 alleles (0.0065%); highest among the groups gnomAD compares: Non-Finnish European, 0.0084%; no homozygotes.

Submissions (2):

Dasa
Classification: Uncertain significance. Last evaluated: 2025-07-22. Review status: criteria provided, single submitter. Criteria: DASA Assertion Criteria. Collection method: clinical testing. Allele origin: germline.
Comment: NM_002336.3(LRP6):c.3407G>A (p.Arg1136Gln) is a missense variant that results in the substitution of arginine with glutamine. This variant is rare in population databases. Computational prediction algorithms are consistent with a deleterious effect. The currently available literature and clinical evidence are not sufficient to establish a definitive association between this variant and the reported condition. Therefore, this variant is classified as a variant of uncertain significance.

Labcorp Genetics (formerly Invitae), Labcorp
Classification: Uncertain significance. Last evaluated: 2025-01-24. Review status: criteria provided, single submitter. Criteria: Invitae Variant Classification Sherloc (09022015). Collection method: clinical testing. Allele origin: germline.
Comment: This sequence change replaces arginine, which is basic and polar, with glutamine, which is neutral and polar, at codon 1136 of the LRP6 protein (p.Arg1136Gln). This variant is present in population databases (rs776503670, gnomAD 0.007%). This variant has not been reported in the literature in individuals affected with LRP6-related conditions. ClinVar contains an entry for this variant (Variation ID: 1423769). Invitae Evidence Modeling of protein sequence and biophysical properties (such as structural, functional, and spatial information, amino acid conservation, physicochemical variation, residue mobility, and thermodynamic stability) indicates that this missense variant is not expected to disrupt LRP6 protein function with a negative predictive value of 80%. In summary, the available evidence is currently insufficient to determine the role of this variant in disease. Therefore, it has been classified as a Variant of Uncertain Significance.